The following is an entry in ClinVar:

NM_000732.6(CD3D):c.174G>A (p.Leu58=)

Gene: CD3D (CD3 delta subunit of T-cell receptor complex; minus strand). Cytogenetic location: 11q23.3.
Variant type: single nucleotide variant.
Coding change: c.174G>A on transcript NM_000732.6 (MANE Select); coding-DNA position 174, G replaced by A.
Protein change: p.Leu58=; no amino-acid change (leucine 58 retained).
Molecular consequence: synonymous variant.
Genome position (GRCh38, 1-based): chr11:118,340,475, C>T on the plus strand (G>A on the coding strand, the complement: CD3D is on the minus strand). VCF-style: chr11-118340475-C-T. GRCh37 (hg19) VCF-style: chr11-118211190-C-T.
Other names: c.174G>A, p.Leu58= (NM_001040651.2).
Identifiers: ClinVar variation 2116511 (VCV002116511.1), dbSNP rs1213352686, ClinGen allele CA477087497.

ClinVar aggregate classification (germline): Uncertain significance (1 of 4 stars; one submission).

Conditions:
Immunodeficiency 19 (IMD19). Also called: IMMUNODEFICIENCY 19, SEVERE COMBINED; CD3-DELTA DEFICIENCY; SEVERE COMBINED IMMUNODEFICIENCY, T CELL-NEGATIVE, B CELL-POSITIVE, NK CELL-POSITIVE; SCID, T CELL-NEGATIVE, B CELL-POSITIVE, NK CELL-POSITIVE. Identifiers: MedGen C3810147, MONDO:0014280, OMIM 615617.

gnomAD v4.1: 1 of 1,613,944 alleles (0.000062%); highest among the groups gnomAD compares: African/African-American, 0.0013%; no homozygotes.

Submission:

Labcorp Genetics (formerly Invitae), Labcorp
Classification: Uncertain significance for Immunodeficiency 19. Last evaluated: 2022-10-24. Review status: criteria provided, single submitter. Criteria: Invitae Variant Classification Sherloc (09022015). Collection method: clinical testing. Allele origin: germline.
Comment: This sequence change affects codon 58 of the CD3D mRNA. It is a 'silent' change, meaning that it does not change the encoded amino acid sequence of the CD3D protein. This variant is not present in population databases (gnomAD no frequency). This variant has not been reported in the literature in individuals affected with CD3D-related conditions. Algorithms developed to predict the effect of sequence changes on RNA splicing suggest that this variant may disrupt the consensus splice site. In summary, the available evidence is currently insufficient to determine the role of this variant in disease. Therefore, it has been classified as a Variant of Uncertain Significance.